The following is an entry in ClinVar:

NM_005762.3(TRIM28):c.477dup (p.Ala160fs)

Gene: TRIM28 (tripartite motif containing 28; plus strand). Cytogenetic location: 19q13.43.
Variant type: Duplication.
Coding change: c.477dup on transcript NM_005762.3 (MANE Select); coding-DNA position 477, one base duplicated (T; older notation c.477dupT).
Protein change: p.Ala160fs; shifts the reading frame from alanine 160.
Molecular consequence: frameshift variant.
Genome position (GRCh38, 1-based): chr19:58,545,787, T duplicated. VCF-style (leftmost placement, unchanged base first): chr19-58545786-A-AT. GRCh37 (hg19) VCF-style: chr19-59057153-A-AT.
Other names: short protein forms A160fs.
Identifiers: ClinVar variation 3377811 (VCV003377811.1).

ClinVar aggregate classification (germline): Pathogenic (1 of 4 stars; one submission).

Conditions:
Predisposition to Wilms tumor.

Submission:

St. Jude Molecular Pathology, St. Jude Children's Research Hospital
Classification: Pathogenic for Predisposition to Wilms tumor. Last evaluated: 2024-03-07. Review status: criteria provided, single submitter. Criteria: St. Jude Assertion Criteria 2020. Collection method: clinical testing. Allele origin: germline. Affected: yes.
Comment: The TRIM28 c.477dup (p.Ala160CysfsTer16) change duplicates one nucleotide to cause a frameshift and the creation of a premature stop codon. This change is predicted to cause protein truncation or absence of protein due to nonsense-mediated decay. This variant is also absent in gnomAD v2.1.1. In summary, this variant meets criteria to be classified as pathogenic.